The following is an entry in ClinVar:

NM_007294.4(BRCA1):c.2078_2082delinsGCAGT (p.Asp693Gly)

Gene: BRCA1 (BRCA1 DNA repair associated; minus strand). Cytogenetic location: 17q21.31.
Variant type: Indel.
Coding change: c.2078_2082delinsGCAGT on transcript NM_007294.4 (MANE Select); coding-DNA positions 2078 to 2082, ACAGC replaced by GCAGT.
Protein change: p.Asp693Gly; replaces aspartic acid 693 with glycine.
Molecular consequence: missense variant. On other transcripts: intron variant (137).
Genome position (GRCh38, 1-based): chr17:43,093,449-43,093,453, GCTGT replaced by ACTGC on the plus strand (ACAGC replaced by GCAGT on the coding strand, the reverse complement: BRCA1 is on the minus strand). VCF-style: chr17-43093449-GCTGT-ACTGC. GRCh37 (hg19) VCF-style: chr17-41245466-GCTGT-ACTGC.
Other names: c.2075_2079delinsGCAGT, p.Asp692Gly (NM_001407634.1, NM_001407635.1, NM_001407636.1 and 22 more transcripts); c.2078_2082delinsGCAGT, p.Asp693Gly (NM_001407639.1, NM_001407640.1, NM_001407641.1 and 30 more transcripts); c.2069_2073delinsGCAGT, p.Asp690Gly (NM_001407646.1, NM_001407647.1); c.1955_1959delinsGCAGT, p.Asp652Gly (NM_001407648.1, NM_001407664.1, NM_001407665.1 and 19 more transcripts); c.1952_1956delinsGCAGT, p.Asp651Gly (NM_001407649.1, NM_001407670.1, NM_001407671.1 and 11 more transcripts); c.2000_2004delinsGCAGT, p.Asp667Gly (NM_001407653.1, NM_001407654.1, NM_001407655.1 and 4 more transcripts); c.1997_2001delinsGCAGT, p.Asp666Gly (NM_001407659.1, NM_001407660.1, NM_001407661.1 and 1 more transcripts); c.1937_1941delinsGCAGT, p.Asp646Gly (NM_001407692.1, NM_001407694.1, NM_001407695.1 and 29 more transcripts); and 41 more; short protein forms D646G, D693G, D397G, D566G, D605G, D666G, D667G, D582G.
Identifiers: ClinVar variation 928534 (VCV000928534.4), dbSNP rs2053829800, ClinGen allele CA1139664785.

ClinVar aggregate classification (germline): Conflicting classifications of pathogenicity. Review status: criteria provided, conflicting classifications (1 of 4 stars). 2 submissions from 2 submitters: Uncertain significance (1); Likely benign (1). Last evaluated 2023-03-23.

Conditions:
Hereditary cancer-predisposing syndrome. Also called: Neoplastic Syndromes, Hereditary; Hereditary Cancer Syndrome; Tumor predisposition; Hereditary neoplastic syndrome. Identifiers: Orphanet 140162, MedGen C0027672, MeSH D009386, MONDO:0015356.

Submissions (2):

University of Washington Department of Laboratory Medicine, University of Washington
Classification: Likely benign for Hereditary cancer-predisposing syndrome. Last evaluated: 2023-03-23. Review status: criteria provided, single submitter. Criteria: Dines et al. (Genet Med. 2020). Collection method: curation. Allele origin: germline.
Comment: Missense variant in a coldspot region where missense variants are very unlikely to be pathogenic (PMID:31911673).

BRCA1 coldspot (exon 11 using historical exon numbering). Reclassification based on statistical prior probability

Women's Health and Genetics/Laboratory Corporation of America, LabCorp
Classification: Uncertain significance. Last evaluated: 2019-12-31. Review status: criteria provided, single submitter. Criteria: LabCorp Variant Classification Summary - May 2015. Collection method: clinical testing. Allele origin: germline.
Comment: Variant summary: BRCA1 c.2078_2082delinsGCAGT (p.Asp693Gly) results in a non-conservative amino acid change in the encoded protein sequence. The variant can also be described as a complex allele involving a missense change c.2078A>G (p.Asp693Gly) in phase with a synonymous variant (c.2082C>T (p.Ser694Ser)). Two of three in-silico tools predict a benign effect of the variant on protein function. The variant (i.e. the complex allele) was found at a frequency of 1.2e-05 in 251186 control chromosomes (gnomAD). The available data on variant occurrences in the general population are insufficient to allow any conclusion about variant significance. To our knowledge, no occurrence of c.2078_2082delinsGCAGT in individuals affected with Hereditary Breast and Ovarian Cancer and no experimental evidence demonstrating its impact on protein function have been reported. No clinical diagnostic laboratories have submitted clinical-significance assessments for this variant to ClinVar after 2014. Based on the evidence outlined above, the variant was classified as uncertain significance.